The following is an entry in ClinVar:

ClinVar aggregate classification (germline): Uncertain significance (1 of 4 stars; one submission).

Conditions:
Inborn genetic diseases. Identifiers: MedGen C0950123, MeSH D030342.

gnomAD v4.1: 5 of 1,613,666 alleles (0.00031%); highest among the groups gnomAD compares: Non-Finnish European, 0.00042%; no homozygotes.

Submission:

Ambry Genetics
Classification: Uncertain significance for Inborn genetic diseases. Last evaluated: 2025-06-24. Review status: criteria provided, single submitter. Criteria: Ambry Variant Classification Scheme 2023. Collection method: clinical testing. Allele origin: germline.
Comment: The c.472+5A>G intronic alteration consists of a A to G substitution 5 nucleotides after exon 4 of the CCM2 gene. Based on insufficient or conflicting evidence, the clinical significance of this alteration remains unclear.

NM_031443.4(CCM2):c.472+5A>G

Gene: CCM2 (CCM2 scaffold protein; plus strand). Cytogenetic location: 7p13.
Variant type: single nucleotide variant.
Coding change: c.472+5A>G on transcript NM_031443.4 (MANE Select); 5 bases into the intron after coding-DNA position 472, A replaced by G.
Molecular consequence: intron variant.
Genome position (GRCh38, 1-based): chr7:45,064,651, A>G. VCF-style: chr7-45064651-A-G. GRCh37 (hg19) VCF-style: chr7-45104250-A-G.
Other names: c.472+5A>G (NM_001363458.2, NM_001167935.2); c.298+5A>G (NM_001363459.2, NM_001167934.2); c.535+5A>G (NM_001029835.2).
Identifiers: ClinVar variation 4221958 (VCV004221958.1).